The following is an entry in ClinVar:

NM_000038.6(APC):c.2111T>G (p.Val704Gly)

Gene: APC (APC regulator of Wnt signaling pathway; plus strand). Cytogenetic location: 5q22.2.
Variant type: single nucleotide variant.
Coding change: c.2111T>G on transcript NM_000038.6 (MANE Select); coding-DNA position 2111, T replaced by G.
Protein change: p.Val704Gly; replaces valine 704 with glycine.
Molecular consequence: missense variant.
Genome position (GRCh38, 1-based): chr5:112,837,705, T>G. VCF-style: chr5-112837705-T-G. GRCh37 (hg19) VCF-style: chr5-112173402-T-G.
Other names: c.2111T>G, p.Val704Gly (NM_001127510.3, NM_001354895.2); c.2057T>G, p.Val686Gly (NM_001127511.3); c.2165T>G, p.Val722Gly (NM_001354896.2); c.2141T>G, p.Val714Gly (NM_001354897.2); c.2036T>G, p.Val679Gly (NM_001354898.2); c.2027T>G, p.Val676Gly (NM_001354899.2); c.1988T>G, p.Val663Gly (NM_001354900.2); c.1934T>G, p.Val645Gly (NM_001354901.2); and 5 more; short protein forms V686G, V704G, V613G, V421G, V578G, V645G, V676G, V714G.
Identifiers: ClinVar variation 537418 (VCV000537418.11), dbSNP rs1554083952, ClinGen allele CA16025945.

ClinVar aggregate classification (germline): Uncertain significance. Review status: criteria provided, multiple submitters, no conflicts (2 of 4 stars). 2 submissions from 2 submitters: Uncertain significance (2). Last evaluated 2026-07-06.

Conditions:
Hereditary cancer-predisposing syndrome. Also called: Hereditary Cancer Syndrome; Tumor predisposition; Hereditary neoplastic syndrome; Neoplastic Syndromes, Hereditary. Identifiers: Orphanet 140162, MedGen C0027672, MeSH D009386, MONDO:0015356.
Familial adenomatous polyposis 1 (FAP1). Also called: FAMILIAL ADENOMATOUS POLYPOSIS 1, ATTENUATED; POLYPOSIS, ADENOMATOUS INTESTINAL. Identifiers: MedGen C2713442, MONDO:0021056, OMIM 175100. Disease mechanism: loss of function.

Submissions (2):

Ambry Genetics
Classification: Uncertain significance for Hereditary cancer-predisposing syndrome. Last evaluated: 2026-07-06. Review status: criteria provided, single submitter. Criteria: Ambry Variant Classification Scheme 2023. Collection method: clinical testing. Allele origin: germline.
Comment: The p.V704G variant (also known as c.2111T>G), located in coding exon 15 of the APC gene, results from a T to G substitution at nucleotide position 2111. The valine at codon 704 is replaced by glycine, an amino acid with dissimilar properties. This amino acid position is conserved. In addition, in silico predictors for this gene do not accurately predict pathogenicity. Based on the available evidence, the clinical significance of this variant remains unclear.

Labcorp Genetics (formerly Invitae), Labcorp
Classification: Uncertain significance for Familial adenomatous polyposis 1. Last evaluated: 2021-03-12. Review status: criteria provided, single submitter. Criteria: Invitae Variant Classification Sherloc (09022015). Collection method: clinical testing. Allele origin: germline.
Comment: This sequence change replaces valine with glycine at codon 704 of the APC protein (p.Val704Gly). The valine residue is highly conserved and there is a moderate physicochemical difference between valine and glycine. This variant is not present in population databases (ExAC no frequency). This variant has not been reported in the literature in individuals with APC-related disease. Algorithms developed to predict the effect of missense changes on protein structure and function (SIFT, PolyPhen-2, Align-GVGD) all suggest that this variant is likely to be disruptive, but these predictions have not been confirmed by published functional studies and their clinical significance is uncertain. Algorithms developed to predict the effect of sequence changes on RNA splicing suggest that this variant may create or strengthen a splice site, but this prediction has not been confirmed by published transcriptional studies. In summary, the available evidence is currently insufficient to determine the role of this variant in disease. Therefore, it has been classified as a Variant of Uncertain Significance.